The following is an entry in ClinVar:

NM_000444.6(PHEX):c.1701-1G>C

Genes: PHEX (phosphate regulating endopeptidase X-linked; plus strand), PTCHD1-AS (PTCHD1 and PHEX antisense RNA; minus strand). Cytogenetic location: Xp22.11.
Variant type: single nucleotide variant.
Coding change: c.1701-1G>C on transcript NM_000444.6 (MANE Select); the canonical splice acceptor site of the intron before coding-DNA position 1701, G replaced by C.
Molecular consequence: splice acceptor variant.
Genome position (GRCh38, 1-based): chrX:22,219,035, G>C. VCF-style: chrX-22219035-G-C. GRCh37 (hg19) VCF-style: chrX-22237152-G-C.
Other names: c.1701-1G>C (NM_001282754.2).
Identifiers: ClinVar variation 2095167 (VCV002095167.4), dbSNP rs868736914, ClinGen allele CA412575718.

ClinVar aggregate classification (germline): Pathogenic (1 of 4 stars; one submission).

Submission:

Labcorp Genetics (formerly Invitae), Labcorp
Classification: Pathogenic. Last evaluated: 2022-10-28. Review status: criteria provided, single submitter. Criteria: Invitae Variant Classification Sherloc (09022015). Collection method: clinical testing. Allele origin: germline.
Comment: Algorithms developed to predict the effect of sequence changes on RNA splicing suggest that this variant may disrupt the consensus splice site. For these reasons, this variant has been classified as Pathogenic. Disruption of this splice site has been observed in individual(s) with hypophosphatemic rickets (Invitae). This variant is not present in population databases (gnomAD no frequency). This sequence change affects an acceptor splice site in intron 16 of the PHEX gene. It is expected to disrupt RNA splicing. Variants that disrupt the donor or acceptor splice site typically lead to a loss of protein function (PMID: 16199547), and loss-of-function variants in PHEX are known to be pathogenic (PMID: 9097956, 9106524, 19219621).

Literature cited by the submitters: PubMed 16199547; PubMed 9097956; PubMed 9106524; PubMed 19219621.